The following is an entry in ClinVar:

ClinVar aggregate classification (germline): Uncertain significance (1 of 4 stars; one submission).

Allele frequency attached by ClinVar (database versions not stated): gnomAD exomes below 0.00001; gnomAD 0.00001; TOPMed 0.00001.
gnomAD v4.1: 4 of 1,596,362 alleles (0.00025%); highest among the groups gnomAD compares: Non-Finnish European, 0.00034%; no homozygotes.

Submission:

Labcorp Genetics (formerly Invitae), Labcorp
Classification: Uncertain significance. Last evaluated: 2021-09-24. Review status: criteria provided, single submitter. Criteria: Invitae Variant Classification Sherloc (09022015). Collection method: clinical testing. Allele origin: germline.
Comment: This sequence change replaces serine with arginine at codon 784 of the CARMIL2 protein (p.Ser784Arg). The serine residue is moderately conserved and there is a moderate physicochemical difference between serine and arginine. This variant is not present in population databases (ExAC no frequency). This variant has not been reported in the literature in individuals with CARMIL2-related conditions. Algorithms developed to predict the effect of missense changes on protein structure and function are either unavailable or do not agree on the potential impact of this missense change (SIFT: "Deleterious"; PolyPhen-2: "Benign"; Align-GVGD: "Class C0"). In summary, the available evidence is currently insufficient to determine the role of this variant in disease. Therefore, it has been classified as a Variant of Uncertain Significance.

NM_001013838.3(CARMIL2):c.2352C>A (p.Ser784Arg)

Gene: CARMIL2 (capping protein regulator and myosin 1 linker 2; plus strand). Cytogenetic location: 16q22.1.
Variant type: single nucleotide variant.
Coding change: c.2352C>A on transcript NM_001013838.3 (MANE Select); coding-DNA position 2352, C replaced by A.
Protein change: p.Ser784Arg; replaces serine 784 with arginine.
Molecular consequence: missense variant.
Genome position (GRCh38, 1-based): chr16:67,651,439, C>A. VCF-style: chr16-67651439-C-A. GRCh37 (hg19) VCF-style: chr16-67685342-C-A.
Other names: c.2244C>A, p.Ser748Arg (NM_001317026.3); short protein forms S748R, S784R.
Identifiers: ClinVar variation 1371837 (VCV001371837.5), dbSNP rs1056185267, ClinGen allele CA283208759.
Genomic context (GRCh38, chr16:67,651,439, plus strand): 5'-GCTTTTCCTCTTTGGCCCTCAGATTCTCCCCATTCTATATGAAGCTGGAAGCTCCCCAAG[C>A]CATCACTGGCAGCTTGGGCAGAAGCTGGAGGGCCTTCTGAGACAGGTGGGCGAGGTCTGC-3'
Protein context (NP_001013860.1, residues 774-794): PILYEAGSSP[Ser784Arg]HHWQLGQKLE